The following is an entry in ClinVar:

ClinVar aggregate classification (germline): Uncertain significance (1 of 4 stars; one submission).

Conditions:
Congenital disorder of glycosylation type Ir (CDG1R). Also called: DDOST-congenital disorder of glycosylation. Identifiers: Orphanet 300536, MedGen C3281084, MONDO:0013789, OMIM 614507.

Submission:

Labcorp Genetics (formerly Invitae), Labcorp
Classification: Uncertain significance for Congenital disorder of glycosylation type Ir. Last evaluated: 2025-02-10. Review status: criteria provided, single submitter. Criteria: Invitae Variant Classification Sherloc (09022015). Collection method: clinical testing. Allele origin: germline.
Comment: This sequence change replaces valine, which is neutral and non-polar, with methionine, which is neutral and non-polar, at codon 293 of the DDOST protein (p.Val293Met). This variant is not present in population databases (gnomAD no frequency). This variant has not been reported in the literature in individuals affected with DDOST-related conditions. ClinVar contains an entry for this variant (Variation ID: 2820511). Invitae Evidence Modeling of protein sequence and biophysical properties (such as structural, functional, and spatial information, amino acid conservation, physicochemical variation, residue mobility, and thermodynamic stability) indicates that this missense variant is not expected to disrupt DDOST protein function with a negative predictive value of 80%. In summary, the available evidence is currently insufficient to determine the role of this variant in disease. Therefore, it has been classified as a Variant of Uncertain Significance.

NM_005216.5(DDOST):c.826G>A (p.Val276Met)

Gene: DDOST (dolichyl-diphosphooligosaccharide--protein glycosyltransferase non-catalytic subunit; minus strand). Cytogenetic location: 1p36.12.
Variant type: single nucleotide variant.
Coding change: c.826G>A on transcript NM_005216.5 (MANE Select); coding-DNA position 826, G replaced by A.
Protein change: p.Val276Met; replaces valine 276 with methionine.
Molecular consequence: missense variant.
Genome position (GRCh38, 1-based): chr1:20,653,743, C>T on the plus strand (G>A on the coding strand, the complement: DDOST is on the minus strand). VCF-style: chr1-20653743-C-T. GRCh37 (hg19) VCF-style: chr1-20980236-C-T.
Other names: short protein forms V276M.
Identifiers: ClinVar variation 2820511 (VCV002820511.3), dbSNP rs2545274513, ClinGen allele CA338849201.
Genomic context (GRCh38, chr1:20,653,743, plus strand): 5'-GGGACACAGGCCCCACACGGAGGACACCCTCCTCCTTGAACACCCAGCGGGAGAGGGCCA[C>T]AGCTAGTTCATAGTTGCCTGTCTGGGAATACCTGCAGGAGGGAAACAGGAGCAGCTTGGG-3'
Protein context (NP_005207.3, residues 266-286): YSQTGNYELA[Val276Met]ALSRWVFKEE